The following is an entry in ClinVar:

ClinVar aggregate classification (germline): Uncertain significance. Review status: criteria provided, multiple submitters, no conflicts (2 of 4 stars). 7 submissions from 7 submitters: Uncertain significance (7). Last evaluated 2025-07-01.

Conditions:
Hereditary cancer-predisposing syndrome. Also called: Neoplastic Syndromes, Hereditary; Tumor predisposition; Hereditary Cancer Syndrome; Hereditary neoplastic syndrome. Identifiers: Orphanet 140162, MedGen C0027672, MeSH D009386, MONDO:0015356.
Breast-ovarian cancer, familial, susceptibility to, 4. Identifiers: Orphanet 145, MedGen C3280345, MONDO:0013669, OMIM 614291.

Allele frequency attached by ClinVar (database versions not stated): gnomAD below 0.00001 and 0.00001; ExAC 0.00001; gnomAD exomes 0.00001.
gnomAD v4.1: 15 of 1,611,316 alleles (0.00093%); highest among the groups gnomAD compares: South Asian, 0.013%; no homozygotes.

Submissions (7):

Quest Diagnostics Nichols Institute San Juan Capistrano
Classification: Uncertain significance. Last evaluated: 2025-07-01. Review status: criteria provided, single submitter. Criteria: Quest Diagnostics criteria. Collection method: clinical testing. Allele origin: unknown.
Comment: The RAD51D c.7G>A (p.Val3Met) variant has not been reported in individuals with RAD51D-related conditions in the published literature. The frequency of this variant in the general population (Genome Aggregation Database) is uninformative in the assessment of its pathogenicity. Analysis of this variant using bioinformatics tools for the prediction of the effect of amino acid changes on protein structure and function yielded predictions that this variant is benign. Based on the available information, we are unable to determine the clinical significance of this variant.

Center for Genomic Medicine, Rigshospitalet, Copenhagen University Hospital
Classification: Uncertain significance. Last evaluated: 2025-03-04. Review status: criteria provided, single submitter. Criteria: ACMG Guidelines, 2015. Collection method: clinical testing. Allele origin: germline.

Labcorp Genetics (formerly Invitae), Labcorp
Classification: Uncertain significance for Breast-ovarian cancer, familial, susceptibility to, 4. Last evaluated: 2024-11-19. Review status: criteria provided, single submitter. Criteria: Invitae Variant Classification Sherloc (09022015). Collection method: clinical testing. Allele origin: germline.
Comment: This sequence change replaces valine, which is neutral and non-polar, with methionine, which is neutral and non-polar, at codon 3 of the RAD51D protein (p.Val3Met). The frequency data for this variant in the population databases is considered unreliable, as metrics indicate poor data quality at this position in the gnomAD database. This variant has not been reported in the literature in individuals affected with RAD51D-related conditions. ClinVar contains an entry for this variant (Variation ID: 231650). An algorithm developed to predict the effect of missense changes on protein structure and function outputs the following: PolyPhen-2: "Benign". The methionine amino acid residue is found in multiple mammalian species, which suggests that this missense change does not adversely affect protein function. In summary, the available evidence is currently insufficient to determine the role of this variant in disease. Therefore, it has been classified as a Variant of Uncertain Significance.

Baylor Genetics
Classification: Uncertain significance for Breast-ovarian cancer, familial, susceptibility to, 4. Last evaluated: 2024-03-22. Review status: criteria provided, single submitter. Criteria: ACMG Guidelines, 2015. Collection method: clinical testing. Allele origin: unknown.

Color Diagnostics, LLC DBA Color Health
Classification: Uncertain significance for Hereditary cancer-predisposing syndrome. Last evaluated: 2024-03-07. Review status: criteria provided, single submitter. Criteria: ACMG Guidelines, 2015. Collection method: clinical testing. Allele origin: germline.
Comment: This missense variant replaces valine with methionine at codon 3 of the RAD51D protein. Computational prediction suggests that this variant may not impact protein structure and function (internally defined REVEL score threshold <= 0.5, PMID: 27666373). To our knowledge, functional studies have not been reported for this variant. This variant has not been reported in individuals affected with hereditary cancer in the literature. This variant has been identified in 2/246706 chromosomes in the general population by the Genome Aggregation Database (gnomAD). The available evidence is insufficient to determine the role of this variant in disease conclusively. Therefore, this variant is classified as a Variant of Uncertain Significance.

Sema4
Classification: Uncertain significance for Hereditary cancer-predisposing syndrome. Last evaluated: 2021-09-08. Review status: criteria provided, single submitter. Criteria: Sema4 Curation Guidelines. Collection method: curation. Allele origin: germline.
Comment: The RAD51D c.7G>A (p.V3M) variant has not been reported in the literature to our knowledge. It was observed in 1/30606 chromosomes of the South Asian subpopulation in the large and broad cohorts of the Genome Aggregation Database (PMID: 32461654). The variant has been reported in ClinVar (Variation ID 231650). In silico tools suggest the impact of the variant on protein function is benign, though these predictions have not been confirmed by functional studies. The evidence is insufficient to meet ACMG/AMP criteria for classifying the variant as benign or pathogenic. Thus, the clinical significance of this variant is currently uncertain.

Ambry Genetics
Classification: Uncertain significance for Hereditary cancer-predisposing syndrome. Last evaluated: 2021-01-26. Review status: criteria provided, single submitter. Criteria: Ambry Variant Classification Scheme 2023. Collection method: clinical testing. Allele origin: germline.
Comment: The p.V3M variant (also known as c.7G>A), located in coding exon 1 of the RAD51D gene, results from a G to A substitution at nucleotide position 7. The valine at codon 3 is replaced by methionine, an amino acid with highly similar properties. This amino acid position is well conserved in available vertebrate species. In addition, this alteration is predicted to be tolerated by in silico analysis. Since supporting evidence is limited at this time, the clinical significance of this alteration remains unclear.

NM_002878.4(RAD51D):c.7G>A (p.Val3Met)

Genes: RAD51D (RAD51 paralog D; minus strand), RAD51L3-RFFL (RAD51L3-RFFL readthrough; minus strand). Cytogenetic location: 17q12.
Variant type: single nucleotide variant.
Coding change: c.7G>A on transcript NM_002878.4 (MANE Select); coding-DNA position 7, G replaced by A.
Protein change: p.Val3Met; replaces valine 3 with methionine.
Molecular consequence: missense variant. On other transcripts: non-coding transcript variant (2).
Genome position (GRCh38, 1-based): chr17:35,119,607, C>T on the plus strand (G>A on the coding strand, the complement: RAD51D is on the minus strand). VCF-style: chr17-35119607-C-T. GRCh37 (hg19) VCF-style: chr17-33446626-C-T.
Other names: c.7G>A, p.Val3Met (NM_001142571.2, NM_133629.3); short protein forms V3M.
Identifiers: ClinVar variation 231650 (VCV000231650.21), dbSNP rs758124349, ClinGen allele CA8499709.
Genomic context (GRCh38, chr17:35,119,607, plus strand): 5'-GGCTCCTGAGAAGCTGGATCATCTCCTCGGTAAGGCCAGGGCACAGTCCGACCCTGAGCA[C>T]GCCCATGTTCCCCGCAGGCCGGAACAGCCCCAGGGGGACTGCACGTCACGTGGGCATTCG-3'
Protein context (NP_002869.3, residues 1-13): MG[Val3Met]LRVGLCPGLT